The following is an entry in ClinVar:

NM_177438.3(DICER1):c.3505T>C (p.Ser1169Pro)

Gene: DICER1 (dicer 1, ribonuclease III; minus strand). Cytogenetic location: 14q32.13.
Variant type: single nucleotide variant.
Coding change: c.3505T>C on transcript NM_177438.3 (MANE Select); coding-DNA position 3505, T replaced by C.
Protein change: p.Ser1169Pro; replaces serine 1169 with proline.
Molecular consequence: missense variant. On other transcripts: non-coding transcript variant (6).
Genome position (GRCh38, 1-based): chr14:95,103,891, A>G on the plus strand (T>C on the coding strand, the complement: DICER1 is on the minus strand). VCF-style: chr14-95103891-A-G. GRCh37 (hg19) VCF-style: chr14-95570228-A-G.
Other names: c.3505T>C, p.Ser1169Pro (NM_001195573.1, NM_001271282.3, NM_001291628.2 and 13 more transcripts); c.3223T>C, p.Ser1075Pro (NM_001395686.1); c.3100T>C, p.Ser1034Pro (NM_001395687.1, NM_001395688.1, NM_001395689.1 and 2 more transcripts); c.2938T>C, p.Ser980Pro (NM_001395691.1); c.1822T>C, p.Ser608Pro (NM_001395697.1); short protein forms S1075P, S608P, S1169P, S980P, S1034P.
Identifiers: ClinVar variation 2566196 (VCV002566196.2), dbSNP rs2139966868, ClinGen allele CA390875144.

ClinVar aggregate classification (germline): Uncertain significance (1 of 4 stars; one submission).

Conditions:
Hereditary cancer-predisposing syndrome. Also called: Neoplastic Syndromes, Hereditary; Hereditary Cancer Syndrome; Hereditary neoplastic syndrome; Tumor predisposition. Identifiers: Orphanet 140162, MedGen C0027672, MeSH D009386, MONDO:0015356.

Submission:

Ambry Genetics
Classification: Uncertain significance for Hereditary cancer-predisposing syndrome. Last evaluated: 2023-05-11. Review status: criteria provided, single submitter. Criteria: Ambry Variant Classification Scheme 2023. Collection method: clinical testing. Allele origin: germline.
Comment: The p.S1169P variant (also known as c.3505T>C), located in coding exon 20 of the DICER1 gene, results from a T to C substitution at nucleotide position 3505. The serine at codon 1169 is replaced by proline, an amino acid with similar properties. This amino acid position is conserved. In addition, this alteration is predicted to be tolerated by in silico analysis. Since supporting evidence is limited at this time, the clinical significance of this alteration remains unclear.